The following is an entry in ClinVar:

ClinVar aggregate classification (germline): Uncertain significance (1 of 4 stars; one submission).

Submission:

Greenwood Genetic Center Diagnostic Laboratories, Greenwood Genetic Center
Classification: Uncertain significance. Last evaluated: 2025-06-17. Review status: criteria provided, single submitter. Criteria: ACMG Guidelines, 2015. Collection method: clinical testing. Allele origin: germline. Affected: yes.
Comment: PM2, PP2

NM_019842.4(KCNQ5):c.13C>T (p.His5Tyr)

Genes: KCNQ5 (potassium voltage-gated channel subfamily Q member 5; plus strand), KCNQ5-DT (KCNQ5 divergent transcript; minus strand), LOC129996711 (ATAC-STARR-seq lymphoblastoid silent region 17329; plus strand). Cytogenetic location: 6q13.
Variant type: single nucleotide variant.
Coding change: c.13C>T on transcript NM_019842.4 (MANE Select); coding-DNA position 13, C replaced by T.
Protein change: p.His5Tyr; replaces histidine 5 with tyrosine.
Molecular consequence: missense variant.
Genome position (GRCh38, 1-based): chr6:72,622,202, C>T. VCF-style: chr6-72622202-C-T. GRCh37 (hg19) VCF-style: chr6-73331930-C-T.
Other names: c.13C>T, p.His5Tyr (NM_001160130.2, NM_001160132.2, NM_001160133.2 and 1 more transcripts); short protein forms H5Y.
Identifiers: ClinVar variation 4538317 (VCV004538317.1).